The following is an entry in ClinVar:

NM_012281.3(KCND2):c.750A>G (p.Ala250=)

Gene: KCND2 (potassium voltage-gated channel subfamily D member 2; plus strand). Cytogenetic location: 7q31.31.
Variant type: single nucleotide variant.
Coding change: c.750A>G on transcript NM_012281.3 (MANE Select); coding-DNA position 750, A replaced by G.
Protein change: p.Ala250=; no amino-acid change (alanine 250 retained).
Molecular consequence: synonymous variant.
Genome position (GRCh38, 1-based): chr7:120,275,382, A>G. VCF-style: chr7-120275382-A-G. GRCh37 (hg19) VCF-style: chr7-119915436-A-G.
Identifiers: ClinVar variation 1135709 (VCV001135709.13), dbSNP rs778783764, ClinGen allele CA4453540.
Genomic context (GRCh38, chr7:120,275,382, plus strand): 5'-CTGCTTGGACACGGCCTGCGTCATGATCTTCACAGTTGAGTATTTGCTTCGCCTGGCTGC[A>G]GCGCCTAGTCGTTACCGTTTTGTGCGTAGTGTCATGAGTATCATCGACGTGGTGGCCATC-3'
Protein context (NP_036413.1, residues 240-260): FTVEYLLRLA[Ala250=]APSRYRFVRS

ClinVar aggregate classification (germline): Likely benign. Review status: criteria provided, multiple submitters, no conflicts (2 of 4 stars). 2 submissions from 2 submitters: Likely benign (2). Last evaluated 2026-02-03.

Conditions:
Early Myoclonic Encephalopathy. Identifiers: MedGen C0270855.

Allele frequency attached by ClinVar (database versions not stated): TOPMed below 0.00001; ExAC 0.00002; gnomAD exomes 0.00002.
gnomAD v4.1: 33 of 1,613,822 alleles (0.002%); highest among the groups gnomAD compares: Admixed American, 0.0033%; no homozygotes.

Submissions (2):

Labcorp Genetics (formerly Invitae), Labcorp
Classification: Likely benign for Early Myoclonic Encephalopathy. Last evaluated: 2026-02-03. Review status: criteria provided, single submitter. Criteria: Invitae Variant Classification Sherloc (09022015). Collection method: clinical testing. Allele origin: germline.

CeGaT Center for Human Genetics Tuebingen
Classification: Likely benign. Last evaluated: 2026-01-01. Review status: criteria provided, single submitter. Criteria: CeGaT Center For Human Genetics Tuebingen Variant Classification Criteria Version 2. Collection method: clinical testing. Allele origin: germline. Affected: yes. Observed: 1 variant allele.
Comment: KCND2: BP4, BP7